The following is an entry in ClinVar:

ClinVar aggregate classification (germline): Pathogenic (1 of 4 stars; one submission).

Submission:

Illumina Laboratory Services, Illumina
Classification: Pathogenic. Last evaluated: 2023-09-13. Review status: criteria provided, single submitter. Criteria: ICSL CNVClassificationCriteria Aug2020. Collection method: clinical testing. Allele origin: unknown.
Comment: This CNV is a 1.27 Mb deletion of 18q21.2-q21.31 on chromosome 18, seq[GRCh37]del(18)(q21.2q21.31), NC_000018.9:g.53218644_54488400del, which is found in a de novo state. The CNV encompasses three protein-coding genes, including exons 1-3 of the TCF4 gene. Deletions overlapping this region, including those with partial or complete deletion of the TCF4 gene, have been associated with Pitt-Hopkins syndrome (PMID: 27132474; 35189377). The 18q21.2-q21.31 deletion has not been reported in controls. Based on the available evidence, this CNV is classified as pathogenic.

Single allele

Genes: LINC01415 (long intergenic non-protein coding RNA 1415; minus strand), TCF4 (transcription factor 4; minus strand), TXNL1 (thioredoxin like 1; minus strand), WDR7 (WD repeat domain 7; plus strand). Cytogenetic location: 18q21.2-21.31.
Variant type: Deletion.
Identifiers: ClinVar variation 2671620 (VCV002671620.1).